The following is an entry in ClinVar:

ClinVar aggregate classification (germline): Likely benign (1 of 4 stars; one submission).

Submission:

CeGaT Center for Human Genetics Tuebingen
Classification: Likely benign. Last evaluated: 2025-03-01. Review status: criteria provided, single submitter. Criteria: CeGaT Center For Human Genetics Tuebingen Variant Classification Criteria Version 2. Collection method: clinical testing. Allele origin: germline. Affected: yes. Observed: 1 variant allele.
Comment: ELN: PM2:Supporting, BP4, BP7

NM_000501.4(ELN):c.177A>G (p.Gly59=)

Gene: ELN (elastin; plus strand). Cytogenetic location: 7q11.23.
Variant type: single nucleotide variant.
Coding change: c.177A>G on transcript NM_000501.4 (MANE Select); coding-DNA position 177, A replaced by G.
Protein change: p.Gly59=; no amino-acid change (glycine 59 retained).
Molecular consequence: synonymous variant.
Genome position (GRCh38, 1-based): chr7:74,037,720, A>G. VCF-style: chr7-74037720-A-G. GRCh37 (hg19) VCF-style: chr7-73452050-A-G.
Other names: c.147A>G, p.Gly49= (NM_001081752.3, NM_001278914.2, NM_001278917.2 and 1 more transcripts); c.177A>G, p.Gly59= (NM_001081753.3, NM_001081754.3, NM_001081755.3 and 5 more transcripts).
Identifiers: ClinVar variation 3778423 (VCV003778423.7).